The following is an entry in ClinVar:

ClinVar aggregate classification (germline): Likely benign (0 of 4 stars; one submission).

Conditions:
USH1C-related disorder. Also called: USH1C-related condition.

Allele frequency attached by ClinVar (database versions not stated): gnomAD exomes below 0.00001.
gnomAD v4.1: 2 of 1,614,118 alleles (0.00012%); highest among the groups gnomAD compares: African/African-American, 0.0013%; no homozygotes.

Submission:

PreventionGenetics, part of Exact Sciences
Classification: Likely benign for USH1C-related condition. Last evaluated: 2019-08-13. Review status: no assertion criteria provided. Collection method: clinical testing. Allele origin: germline.
Comment: This variant is classified as likely benign based on ACMG/AMP sequence variant interpretation guidelines (Richards et al. 2015 PMID: 25741868, with internal and published modifications).

NM_153676.4(USH1C):c.2491-8C>T

Gene: USH1C (USH1 protein network component harmonin; minus strand). Cytogenetic location: 11p15.1.
Variant type: single nucleotide variant.
Coding change: c.2491-8C>T on transcript NM_153676.4 (MANE Select); 8 bases into the intron before coding-DNA position 2491, C replaced by T.
Molecular consequence: intron variant.
Genome position (GRCh38, 1-based): chr11:17,496,821, G>A on the plus strand (C>T on the coding strand, the complement: USH1C is on the minus strand). VCF-style: chr11-17496821-G-A. GRCh37 (hg19) VCF-style: chr11-17518368-G-A.
Other names: c.1534-8C>T (NM_001297764.2); c.1591-8C>T (NM_005709.4).
Identifiers: ClinVar variation 3052966 (VCV003052966.2), dbSNP rs2496975844, ClinGen allele CA2574769174.
Genomic context (GRCh38, chr11:17,496,821, plus strand): 5'-TCATCGTCATACTCCTTTGGGGGGCAGACGGCAACCACAAGGTCGATCCAGTCCTGTGGG[G>A]AGAAGCCGTGTGACTCTGGGGCACACTCAGTTGGATGGTGCATCTGCCCCGGCACTCCAT-3'